The following is an entry in ClinVar:

NM_001009944.3(PKD1):c.9853G>A (p.Val3285Ile)

Gene: PKD1 (polycystin 1, transient receptor potential channel interacting; minus strand). Cytogenetic location: 16p13.3.
Variant type: single nucleotide variant.
Coding change: c.9853G>A on transcript NM_001009944.3 (MANE Select); coding-DNA position 9853, G replaced by A.
Protein change: p.Val3285Ile; replaces valine 3285 with isoleucine.
Molecular consequence: missense variant.
Genome position (GRCh38, 1-based): chr16:2,099,931, C>T on the plus strand (G>A on the coding strand, the complement: PKD1 is on the minus strand). VCF-style: chr16-2099931-C-T. GRCh37 (hg19) VCF-style: chr16-2149932-C-T.
Other names: c.9853G>A, p.Val3285Ile (NM_000296.4); short protein forms V3285I.
Identifiers: ClinVar variation 636808 (VCV000636808.5), dbSNP rs201780393, ClinGen allele CA276773140.
Genomic context (GRCh38, chr16:2,099,931, plus strand): 5'-AGTCGCCAACAGCCCCGTACCACACGGCGTTGGCGCCCAGGAAGAGGCAGATGAGGAGAA[C>T]GCAGCAGGTGGCCCTCTGGATGCGAGTGAAACGGCTACGAGGCGGCCGGTCCCATATGGA-3'
Protein context (NP_001009944.3, residues 3275-3295): FTRIQRATCC[Val3285Ile]LLICLFLGAN

ClinVar aggregate classification (germline): Uncertain significance. Review status: criteria provided, multiple submitters, no conflicts (2 of 4 stars). 3 submissions from 3 submitters: Uncertain significance (3). Last evaluated 2024-09-26.

Conditions:
Polycystic kidney disease, adult type (PKD1). Also called: Polycystic Kidney, Autosomal Dominant; Polycystic Kidney Disease 1, Autosomal Dominant; Polycystic kidney disease 1; Polycystic kidney disease 1, severe; POLYCYSTIC KIDNEY DISEASE 1 WITH OR WITHOUT POLYCYSTIC LIVER DISEASE; POLYCYSTIC KIDNEY DISEASE, ADULT, TYPE I. Identifiers: MedGen C3149841, MONDO:0008263, OMIM 173900.

Allele frequency attached by ClinVar (database versions not stated): gnomAD exomes 0.00002 and 0.00005; gnomAD 0.00003; TOPMed 0.00003.
gnomAD v4.1: 79 of 1,562,398 alleles (0.0051%); highest among the groups gnomAD compares: Admixed American, 0.0057%; no homozygotes.

Submissions (3):

GeneDx
Classification: Uncertain significance. Last evaluated: 2024-09-26. Review status: criteria provided, single submitter. Criteria: GeneDx Variant Classification Process June 2021. Collection method: clinical testing. Allele origin: germline. Affected: yes.
Comment: Reported in patients with polycystic kidney disease, although the evidence is conflicting (PMID: 11316854, 27499327, 24907393); In silico analysis indicates that this missense variant does not alter protein structure/function; This variant is associated with the following publications: (PMID: 24907393, 27499327, 11316854)

Fulgent Genetics
Classification: Uncertain significance for Polycystic kidney disease, adult type. Last evaluated: 2024-04-05. Review status: criteria provided, single submitter. Criteria: ACMG Guidelines, 2015. Collection method: clinical testing. Allele origin: germline.

Blueprint Genetics
Classification: Uncertain significance. Last evaluated: 2021-06-10. Review status: criteria provided, single submitter. Criteria: ACMG Guidelines, 2015. Collection method: clinical testing. Allele origin: germline.